The following is an entry in ClinVar:

ClinVar aggregate classification (germline): Uncertain significance (1 of 4 stars; one submission).

Submission:

GeneDx
Classification: Uncertain significance. Last evaluated: 2025-08-27. Review status: criteria provided, single submitter. Criteria: GeneDx Variant Classification Process June 2021. Collection method: clinical testing. Allele origin: germline. Affected: yes.
Comment: Not observed at significant frequency in large population cohorts (gnomAD); In silico analysis suggests that this variant does not alter splicing; Has not been previously published as pathogenic or benign to our knowledge

NM_001165963.4(SCN1A):c.1377+4A>C

Gene: SCN1A (sodium voltage-gated channel alpha subunit 1; minus strand). Cytogenetic location: 2q24.3.
Variant type: single nucleotide variant.
Coding change: c.1377+4A>C on transcript NM_001165963.4 (MANE Select); 4 bases into the intron after coding-DNA position 1377, A replaced by C.
Molecular consequence: intron variant.
Genome position (GRCh38, 1-based): chr2:166,046,766, T>G on the plus strand (A>C on the coding strand, the complement: SCN1A is on the minus strand). VCF-style: chr2-166046766-T-G. GRCh37 (hg19) VCF-style: chr2-166903276-T-G.
Other names: c.1377+4A>C (NM_001353949.2, NM_001353958.2, NM_001353950.2 and 10 more transcripts); c.-1049+4A>C (NM_001353961.2).
Identifiers: ClinVar variation 4812925 (VCV004812925.1).